The following is an entry in ClinVar:

ClinVar aggregate classification (germline): Uncertain significance (1 of 4 stars; one submission).

Allele frequency attached by ClinVar (database versions not stated): gnomAD exomes below 0.00001.
gnomAD v4.1: 1 of 1,613,462 alleles (0.000062%); highest among the groups gnomAD compares: Non-Finnish European, 0.000085%; no homozygotes.

Submission:

Labcorp Genetics (formerly Invitae), Labcorp
Classification: Uncertain significance. Last evaluated: 2022-07-12. Review status: criteria provided, single submitter. Criteria: Invitae Variant Classification Sherloc (09022015). Collection method: clinical testing. Allele origin: germline.
Comment: In summary, the available evidence is currently insufficient to determine the role of this variant in disease. Therefore, it has been classified as a Variant of Uncertain Significance. Algorithms developed to predict the effect of missense changes on protein structure and function are either unavailable or do not agree on the potential impact of this missense change (SIFT: "Deleterious"; PolyPhen-2: "Not Available"; Align-GVGD: "Class C0"). This variant has not been reported in the literature in individuals affected with PCLO-related conditions. This variant is present in population databases (no rsID available, gnomAD 0.0009%). This sequence change replaces serine, which is neutral and polar, with leucine, which is neutral and non-polar, at codon 4672 of the PCLO protein (p.Ser4672Leu).

NM_033026.6(PCLO):c.14015C>T (p.Ser4672Leu)

Gene: PCLO (piccolo presynaptic cytomatrix protein; minus strand). Cytogenetic location: 7q21.11.
Variant type: single nucleotide variant.
Coding change: c.14015C>T on transcript NM_033026.6 (MANE Select); coding-DNA position 14015, C replaced by T.
Protein change: p.Ser4672Leu; replaces serine 4672 with leucine.
Molecular consequence: missense variant.
Genome position (GRCh38, 1-based): chr7:82,845,302, G>A on the plus strand (C>T on the coding strand, the complement: PCLO is on the minus strand). VCF-style: chr7-82845302-G-A. GRCh37 (hg19) VCF-style: chr7-82474618-G-A.
Other names: c.14015C>T, p.Ser4672Leu (NM_014510.3); short protein forms S4672L.
Identifiers: ClinVar variation 2050143 (VCV002050143.4), dbSNP rs1002738267, ClinGen allele CA161118947.